The following is an entry in ClinVar:

NM_002206.3(ITGA7):c.671G>C (p.Gly224Ala)

Gene: ITGA7 (integrin subunit alpha 7; minus strand). Cytogenetic location: 12q13.2.
Variant type: single nucleotide variant.
Coding change: c.671G>C on transcript NM_002206.3 (MANE Select); coding-DNA position 671, G replaced by C.
Protein change: p.Gly224Ala; replaces glycine 224 with alanine.
Molecular consequence: missense variant. On other transcripts: intron variant (7).
Genome position (GRCh38, 1-based): chr12:55,699,989, C>G on the plus strand (G>C on the coding strand, the complement: ITGA7 is on the minus strand). VCF-style: chr12-55699989-C-G. GRCh37 (hg19) VCF-style: chr12-56093773-C-G.
Other names: p.Gly224Ala; c.671G>C, p.Gly224Ala (NM_001374465.1, NM_001414031.1, NM_001414034.1); c.803G>C, p.Gly268Ala (NM_001410977.1); c.488G>C, p.Gly163Ala (NM_001414033.1); c.332G>C, p.Gly111Ala (NM_001414035.1); c.511+273G>C (NM_001144997.2); c.463+273G>C (NM_001367993.1); c.-503+910G>C (NM_001367994.1); and 2 more; short protein forms G224A, G268A, G111A, G163A.
Identifiers: ClinVar variation 537988 (VCV000537988.24), dbSNP rs537950420, ClinGen allele CA6616195.

ClinVar aggregate classification (germline): Uncertain significance. Review status: criteria provided, multiple submitters, no conflicts (2 of 4 stars). 6 submissions from 6 submitters: Uncertain significance (6). Last evaluated 2026-01-22.

Conditions:
Congenital muscular dystrophy due to integrin alpha-7 deficiency. Also called: MYOPATHY, CONGENITAL, DUE TO INTEGRIN ALPHA-7 DEFICIENCY; Congenital muscular dystrophy with integrin alpha-7 deficiency; Muscular dystrophy, congenital, due to ITGA7 deficiency. Identifiers: Orphanet 34520, MedGen C2750786, MONDO:0013177, OMIM 613204.

Allele frequency attached by ClinVar (database versions not stated): ExAC 0.00002; gnomAD exomes 0.00005; 1000 Genomes Project 30x 0.00031; gnomAD 0.00033; 1000 Genomes Project 0.00040; TOPMed 0.00079.
gnomAD v4.1: 87 of 1,613,946 alleles (0.0054%); highest among the groups gnomAD compares: Admixed American, 0.11%; 3 homozygotes.

Submissions (7):

GeneDx
Classification: Uncertain significance. Last evaluated: 2026-01-22. Review status: criteria provided, single submitter. Criteria: GeneDx Variant Classification Process June 2021. Collection method: clinical testing. Allele origin: germline. Affected: yes.
Comment: In silico analysis supports that this missense variant has a deleterious effect on protein structure/function; Not observed at significant frequency in large population cohorts (gnomAD); Has not been previously published as pathogenic or benign to our knowledge

Ambry Genetics
Classification: Uncertain significance. Last evaluated: 2024-01-12. Review status: criteria provided, single submitter. Criteria: Ambry Variant Classification Scheme 2023. Collection method: clinical testing. Allele origin: germline.

Revvity Omics, Revvity
Classification: Uncertain significance for Congenital muscular dystrophy due to integrin alpha-7 deficiency. Last evaluated: 2023-11-09. Review status: criteria provided, single submitter. Criteria: ACMG Guidelines, 2015. Collection method: clinical testing. Allele origin: germline.

Mayo Clinic Laboratories, Mayo Clinic
Classification: Uncertain significance. Last evaluated: 2023-06-09. Review status: criteria provided, single submitter. Criteria: ACMG Guidelines, 2015. Collection method: clinical testing. Allele origin: germline. Observed: 1 variant allele.
Comment: PP3

Labcorp Genetics (formerly Invitae), Labcorp
Classification: Uncertain significance for Congenital muscular dystrophy due to integrin alpha-7 deficiency. Last evaluated: 2022-09-19. Review status: criteria provided, single submitter. Criteria: Invitae Variant Classification Sherloc (09022015). Collection method: clinical testing. Allele origin: germline.
Comment: This sequence change replaces glycine, which is neutral and non-polar, with alanine, which is neutral and non-polar, at codon 224 of the ITGA7 protein (p.Gly224Ala). This variant is present in population databases (rs537950420, gnomAD 0.01%). This variant has not been reported in the literature in individuals affected with ITGA7-related conditions. ClinVar contains an entry for this variant (Variation ID: 537988). Algorithms developed to predict the effect of missense changes on protein structure and function (SIFT, PolyPhen-2, Align-GVGD) all suggest that this variant is likely to be tolerated. In summary, the available evidence is currently insufficient to determine the role of this variant in disease. Therefore, it has been classified as a Variant of Uncertain Significance.

Breakthrough Genomics
Classification: Uncertain significance. Review status: criteria provided, single submitter. Criteria: ACMG Guidelines, 2015. Collection method: not provided. Allele origin: germline. Inheritance: Autosomal recessive inheritance. Affected: yes.

Dr. Peter K. Rogan Lab, Western University
No classification provided (evidence only). Condition: Clear cell carcinoma of kidney. Review status: no classification provided. Collection method: in vitro. Allele origin: not applicable. Functional consequence: skipped exon, retained intron. Not counted in ClinVar's aggregate classification.